The following is an entry in ClinVar:

ClinVar aggregate classification (germline): Uncertain significance (1 of 4 stars; one submission).

Conditions:
Hereditary pancreatitis (PCTT). Also called: PRSS1-Related Hereditary Pancreatitis; Hereditary chronic pancreatitis. Identifiers: Orphanet 676, MedGen C0238339, MONDO:0008185, OMIM 167800.

Allele frequency attached by ClinVar (database versions not stated): ExAC 0.00001; gnomAD 0.00001; gnomAD exomes 0.00001; TOPMed 0.00001.
gnomAD v4.1: 19 of 1,614,076 alleles (0.0012%); highest among the groups gnomAD compares: Middle Eastern, 0.016%; no homozygotes.

Submission:

Ambry Genetics
Classification: Uncertain significance for Hereditary pancreatitis. Last evaluated: 2024-07-22. Review status: criteria provided, single submitter. Criteria: Ambry Variant Classification Scheme 2023. Collection method: clinical testing. Allele origin: germline.
Comment: The p.Y275H variant (also known as c.823T>C), located in coding exon 8 of the CPA1 gene, results from a T to C substitution at nucleotide position 823. The tyrosine at codon 275 is replaced by histidine, an amino acid with similar properties. This amino acid position is highly conserved in available vertebrate species. In addition, the in silico prediction for this alteration is inconclusive. Based on the available evidence, the clinical significance of this variant remains unclear.

NM_001868.4(CPA1):c.823T>C (p.Tyr275His)

Gene: CPA1 (carboxypeptidase A1; plus strand). Cytogenetic location: 7q32.2.
Variant type: single nucleotide variant.
Coding change: c.823T>C on transcript NM_001868.4 (MANE Select); coding-DNA position 823, T replaced by C.
Protein change: p.Tyr275His; replaces tyrosine 275 with histidine.
Molecular consequence: missense variant.
Genome position (GRCh38, 1-based): chr7:130,385,181, T>C. VCF-style: chr7-130385181-T-C. GRCh37 (hg19) VCF-style: chr7-130025022-T-C.
Other names: short protein forms Y275H.
Identifiers: ClinVar variation 1762590 (VCV001762590.3), dbSNP rs782136930, ClinGen allele CA4484968.